The following is an entry in ClinVar:

ClinVar aggregate classification (germline): Pathogenic (1 of 4 stars; one submission).

Submission:

Labcorp Genetics (formerly Invitae), Labcorp
Classification: Pathogenic. Last evaluated: 2022-12-23. Review status: criteria provided, single submitter. Criteria: Invitae Variant Classification Sherloc (09022015). Collection method: clinical testing. Allele origin: germline.
Comment: This sequence change creates a premature translational stop signal (p.Leu1303*) in the ADGRV1 gene. It is expected to result in an absent or disrupted protein product. Loss-of-function variants in ADGRV1 are known to be pathogenic (PMID: 19357117, 22135276, 22147658, 26226137, 30718709, 31047384, 32467589). This variant is not present in population databases (gnomAD no frequency). This variant has not been reported in the literature in individuals affected with ADGRV1-related conditions. For these reasons, this variant has been classified as Pathogenic.

Literature cited by the submitters: PubMed 19357117; PubMed 22135276; PubMed 22147658; PubMed 26226137; PubMed 30718709; PubMed 31047384; PubMed 32467589.

NM_032119.4(ADGRV1):c.3908T>A (p.Leu1303Ter)

Gene: ADGRV1 (adhesion G protein-coupled receptor V1; plus strand). Cytogenetic location: 5q14.3.
Variant type: single nucleotide variant.
Coding change: c.3908T>A on transcript NM_032119.4 (MANE Select); coding-DNA position 3908, T replaced by A.
Protein change: p.Leu1303Ter; replaces leucine 1303 with a stop codon.
Molecular consequence: nonsense. On other transcripts: non-coding transcript variant (1).
Genome position (GRCh38, 1-based): chr5:90,653,482, T>A. VCF-style: chr5-90653482-T-A. GRCh37 (hg19) VCF-style: chr5-89949299-T-A.
Other names: short protein forms L1303*.
Identifiers: ClinVar variation 2796494 (VCV002796494.3), dbSNP rs2532087304, ClinGen allele CA360399782.